The following is an entry in ClinVar:

NM_004380.3(CREBBP):c.4954C>A (p.Pro1652Thr)

Gene: CREBBP (CREB binding lysine acetyltransferase; minus strand). Cytogenetic location: 16p13.3.
Variant type: single nucleotide variant.
Coding change: c.4954C>A on transcript NM_004380.3 (MANE Select); coding-DNA position 4954, C replaced by A.
Protein change: p.Pro1652Thr; replaces proline 1652 with threonine.
Molecular consequence: missense variant.
Genome position (GRCh38, 1-based): chr16:3,731,410, G>T on the plus strand (C>A on the coding strand, the complement: CREBBP is on the minus strand). VCF-style: chr16-3731410-G-T. GRCh37 (hg19) VCF-style: chr16-3781411-G-T.
Other names: c.4840C>A, p.Pro1614Thr (NM_001079846.1); short protein forms P1614T, P1652T.
Identifiers: ClinVar variation 2442657 (VCV002442657.2), dbSNP rs2151317226, ClinGen allele CA394558922.
Genomic context (GRCh38, chr16:3,731,410, plus strand): 5'-TGGCGAGGGTGAGGAAGGCGTCGCGCCCATCCATGAGGTCACAGCTGAGCAGGGGGTCGG[G>T]GTCGACGATGGGGGGCAGGGTGTTGATGACAGGCCCAGCGTGCAGGTGGATCACGAAGAA-3'
Protein context (NP_004371.2, residues 1642-1662): VINTLPPIVD[Pro1652Thr]DPLLSCDLMD

ClinVar aggregate classification (germline): Uncertain significance. Review status: criteria provided, multiple submitters, no conflicts (2 of 4 stars). 2 submissions from 2 submitters: Uncertain significance (2). Last evaluated 2025-10-07.

Conditions:
CREBBP-related disorder. Also called: CREBBP-related condition; CREBBP-related disorders.

gnomAD v4.1: 9 of 1,606,804 alleles (0.00056%); highest among the groups gnomAD compares: Non-Finnish European, 0.00076%; no homozygotes.

Submissions (2):

PreventionGenetics, part of Exact Sciences
Classification: Uncertain significance for CREBBP-related condition. Last evaluated: 2025-10-07. Review status: criteria provided, single submitter. Criteria: ACMG Guidelines, 2015. Collection method: clinical testing. Allele origin: germline.
Comment: The CREBBP c.4954C>A variant is predicted to result in the amino acid substitution p.Pro1652Thr. To our knowledge, this variant has not been reported in the literature or in a large population database (gnomAD), indicating this variant is rare. At this time, the clinical significance of this variant is uncertain due to the absence of conclusive functional and genetic evidence.

GeneDx
Classification: Uncertain significance. Last evaluated: 2022-09-02. Review status: criteria provided, single submitter. Criteria: GeneDx Variant Classification Process June 2021. Collection method: clinical testing. Allele origin: germline. Affected: yes.
Comment: Not observed at significant frequency in large population cohorts (gnomAD); In silico analysis supports that this missense variant has a deleterious effect on protein structure/function; Has not been previously published as pathogenic or benign to our knowledge; This variant is associated with the following publications: (PMID: 12070251)